The following is an entry in ClinVar:

ClinVar aggregate classification (germline): Pathogenic/Likely pathogenic. Review status: no assertion criteria provided (0 of 4 stars). 2 submissions from 2 submitters: Pathogenic (1); Likely pathogenic (1). Last evaluated 2024-05-09.

Conditions:
NSD2-related disorder. Also called: NSD2 related disorders; NSD2-related condition.
Rauch-Steindl syndrome (RAUST). Identifiers: Orphanet 659642, MedGen C5562061, MONDO:0859219, OMIM 619695.

Submissions (2):

PreventionGenetics, part of Exact Sciences
Classification: Likely pathogenic for NSD2-related condition. Last evaluated: 2024-05-09. Review status: no assertion criteria provided. Collection method: clinical testing. Allele origin: germline.
Comment: The NSD2 c.3410C>T variant is predicted to result in the amino acid substitution p.Ser1137Phe. This variant was reported as de novo in an individual with Rauch-Steindl syndrome (Zanoni et al. 2021. PubMed ID: 33941880). Protein modeling and in vitro experiments suggest the c.3410C>T, p.Ser1137Phe variant destabilizes the methyltransferase domain of NSD2, abolishing normal NSD2 activity (Zanoni et al. 2021. PubMed ID: 33941880). This variant has not been reported in a large population database, indicating this variant is rare. We interpret this variant as likely pathogenic.

OMIM
Classification: Pathogenic for RAUCH-STEINDL SYNDROME. Last evaluated: 2022-01-11. Review status: no assertion criteria provided. Collection method: literature only. Allele origin: germline.

Literature cited by the submitters: PubMed 33941880 (cited by OMIM).

NM_001042424.3(NSD2):c.3410C>T (p.Ser1137Phe)

Gene: NSD2 (nuclear receptor binding SET domain protein 2; plus strand). Cytogenetic location: 4p16.3.
Variant type: single nucleotide variant.
Coding change: c.3410C>T on transcript NM_001042424.3 (MANE Select); coding-DNA position 3410, C replaced by T.
Protein change: p.Ser1137Phe; replaces serine 1137 with phenylalanine.
Molecular consequence: missense variant.
Genome position (GRCh38, 1-based): chr4:1,974,900, C>T. VCF-style: chr4-1974900-C-T. GRCh37 (hg19) VCF-style: chr4-1976627-C-T.
Other names: S1137F; c.3410C>T, p.Ser1137Phe (NM_133330.3, NM_133331.3, NM_133335.4); c.3410C>T (NM_001042424.2).
Identifiers: ClinVar variation 1333178 (VCV001333178.2), dbSNP rs2109020378, ClinGen allele CA355999409.